The following is an entry in ClinVar:

NM_000083.3(CLCN1):c.469del (p.Leu157fs)

Gene: CLCN1 (chloride voltage-gated channel 1; plus strand). Cytogenetic location: 7q34.
Variant type: Deletion.
Coding change: c.469del on transcript NM_000083.3 (MANE Select); coding-DNA position 469, one base deleted (C; older notation c.469delC).
Protein change: p.Leu157fs; shifts the reading frame from leucine 157.
Molecular consequence: frameshift variant. On other transcripts: non-coding transcript variant (1).
Genome position (GRCh38, 1-based): chr7:143,321,400, C deleted; the last of 2 consecutive C bases (chr7:143,321,399-143,321,400); deleting either gives the same sequence. VCF-style (leftmost placement, unchanged base first): chr7-143321398-GC-G. GRCh37 (hg19) VCF-style: chr7-143018491-GC-G.
Other names: c.469delC (NM_000083.2); c.469del (NM_000083.2); short protein forms L157fs.
Identifiers: ClinVar variation 462831 (VCV000462831.9), dbSNP rs1554434794, ClinGen allele CA658657735.
Genomic context (GRCh38, chr7:143,321,398, plus strand): 5'-CCTAACCCCAGGCATGTGTCTCCGCAGCCTACAAGTGGTCCTACGCGCAGATGCAGCCCA[GC>G]CTTCCTCTGCAGTTCCTGGTCTGGGTCACCTTCCCACTAGTCCTCATCCTCTTCAGCGCC-3'

ClinVar aggregate classification (germline): Pathogenic. Review status: criteria provided, multiple submitters, no conflicts (2 of 4 stars). 4 submissions from 3 submitters: Pathogenic (4). Last evaluated 2025-02-20.

Conditions:
Congenital myotonia, autosomal recessive form. Also called: Becker Generalized Myotonia; myotonia congenita, autosomal recessive; BECKER DISEASE. Identifiers: Orphanet 614, MedGen C0751360, MONDO:0009715, OMIM 255700.
Congenital myotonia, autosomal dominant form (THD). Also called: THOMSEN DISEASE; Myotonia congenita autosomal dominant. Identifiers: Orphanet 614, MedGen C2936781, MONDO:0008055, OMIM 160800.

Submissions (4):

GeneDx
Classification: Pathogenic. Last evaluated: 2025-02-20. Review status: criteria provided, single submitter. Criteria: GeneDx Variant Classification Process June 2021. Collection method: clinical testing. Allele origin: germline. Affected: yes.
Comment: Reported in a patient with inherited myotonic disorder, however detailed clinical information was not provided (PMID: 32670189); Frameshift variant predicted to result in protein truncation or nonsense mediated decay in a gene for which loss of function is a known mechanism of disease; Not observed at significant frequency in large population cohorts (gnomAD); This variant is associated with the following publications: (PMID: 32670189)

Labcorp Genetics (formerly Invitae), Labcorp
Classification: Pathogenic for Congenital myotonia, autosomal recessive form; Congenital myotonia, autosomal dominant form. Last evaluated: 2023-09-14. Review status: criteria provided, single submitter. Criteria: Invitae Variant Classification Sherloc (09022015). Collection method: clinical testing. Allele origin: germline.
Comment: For these reasons, this variant has been classified as Pathogenic. ClinVar contains an entry for this variant (Variation ID: 462831). This sequence change creates a premature translational stop signal (p.Leu157Phefs*13) in the CLCN1 gene. It is expected to result in an absent or disrupted protein product. Loss-of-function variants in CLCN1 are known to be pathogenic (PMID: 17932099, 22094069, 23739125). This variant is not present in population databases (gnomAD no frequency). This variant has not been reported in the literature in individuals affected with CLCN1-related conditions.

Labcorp Genetics (formerly Invitae), Labcorp
Classification: Pathogenic for Congenital myotonia, autosomal recessive form. Last evaluated: 2017-03-26. Review status: criteria provided, single submitter. Criteria: Invitae Variant Classification Sherloc (09022015). Collection method: clinical testing. Allele origin: germline.
Comment: This sequence change deletes 1 nucleotide in exon 4 of the CLCN1 mRNA (c.469delC), causing a frameshift at codon 157. This creates a premature translational stop signal (p.Leu157Phefs*13) and is expected to result in an absent or disrupted protein product. While this particular variant has not been reported in the literature, loss-of-function variants in CLCN1 are known to cause autosomal recessive forms of myotonia congenita (PMID: 17932099, 22094069, 23739125). For these reasons, this variant has been classified as Pathogenic.

Clinical Genetics Service, Universitary Hospital 12 de Octubre
Classification: Pathogenic for Congenital myotonia, autosomal recessive form. Review status: criteria provided, single submitter. Criteria: ACMG Guidelines, 2015. Collection method: clinical testing. Allele origin: maternal. Affected: yes.

Literature cited by the submitters: PubMed 17932099 (cited by Labcorp Genetics (formerly Invitae), Labcorp); PubMed 22094069 (cited by Labcorp Genetics (formerly Invitae), Labcorp); PubMed 23739125 (cited by Labcorp Genetics (formerly Invitae), Labcorp).